The following is an entry in ClinVar:

ClinVar aggregate classification (germline): Likely pathogenic (1 of 4 stars; one submission).

Conditions:
Curry-Hall syndrome (WAD). Also called: WEYERS ACRODENTAL DYSOSTOSIS. Identifiers: Orphanet 952, MedGen C0457013, MONDO:0008673, OMIM 193530.
Ellis-van Creveld syndrome (EVC). Also called: EVC-Related Ellis-van Creveld Syndrome; EVC2-Related Ellis-van Creveld Syndrome; MESOECTODERMAL DYSPLASIA; Chondroectodermal dysplasia. Identifiers: Orphanet 289, MedGen C0013903, MONDO:0009162, OMIM 225500.

Submission:

Labcorp Genetics (formerly Invitae), Labcorp
Classification: Likely pathogenic for Curry-Hall syndrome; Ellis-van Creveld syndrome. Last evaluated: 2023-04-19. Review status: criteria provided, single submitter. Criteria: Invitae Variant Classification Sherloc (09022015). Collection method: clinical testing. Allele origin: germline.
Comment: In summary, the currently available evidence indicates that the variant is pathogenic, but additional data are needed to prove that conclusively. Therefore, this variant has been classified as Likely Pathogenic. Algorithms developed to predict the effect of sequence changes on RNA splicing suggest that this variant may disrupt the consensus splice site. This variant has not been reported in the literature in individuals affected with EVC2-related conditions. This variant is not present in population databases (gnomAD no frequency). This sequence change affects a donor splice site in intron 18 of the EVC2 gene. It is expected to disrupt RNA splicing. Variants that disrupt the donor or acceptor splice site typically lead to a loss of protein function (PMID: 16199547), and loss-of-function variants in EVC2 are known to be pathogenic (PMID: 17024374, 19810119, 19876929).

Literature cited by the submitters: PubMed 16199547; PubMed 17024374; PubMed 19810119; PubMed 19876929.

NM_147127.5(EVC2):c.3272+1G>T

Gene: EVC2 (EvC ciliary complex subunit 2; minus strand). Cytogenetic location: 4p16.2.
Variant type: single nucleotide variant.
Coding change: c.3272+1G>T on transcript NM_147127.5 (MANE Select); the canonical splice donor site of the intron after coding-DNA position 3272, G replaced by T.
Molecular consequence: splice donor variant.
Genome position (GRCh38, 1-based): chr4:5,576,239, C>A on the plus strand (G>T on the coding strand, the complement: EVC2 is on the minus strand). VCF-style: chr4-5576239-C-A. GRCh37 (hg19) VCF-style: chr4-5577966-C-A.
Other names: c.3032+1G>T (NM_001166136.2).
Identifiers: ClinVar variation 2930793 (VCV002930793.3), dbSNP rs2475207726, ClinGen allele CA356151780.